The following is an entry in ClinVar:

ClinVar aggregate classification (germline): Uncertain significance (1 of 4 stars; one submission).

Allele frequency attached by ClinVar (database versions not stated): TOPMed below 0.00001.

Submission:

Labcorp Genetics (formerly Invitae), Labcorp
Classification: Uncertain significance. Last evaluated: 2021-08-13. Review status: criteria provided, single submitter. Criteria: Invitae Variant Classification Sherloc (09022015). Collection method: clinical testing. Allele origin: germline.
Comment: This sequence change replaces tryptophan with cysteine at codon 249 of the HPS6 protein (p.Trp249Cys). The tryptophan residue is moderately conserved and there is a large physicochemical difference between tryptophan and cysteine. This variant is not present in population databases (ExAC no frequency). This variant has not been reported in the literature in individuals affected with HPS6-related conditions. Algorithms developed to predict the effect of missense changes on protein structure and function are either unavailable or do not agree on the potential impact of this missense change (SIFT: "Tolerated"; PolyPhen-2: "Probably Damaging"; Align-GVGD: "Class C0"). In summary, the available evidence is currently insufficient to determine the role of this variant in disease. Therefore, it has been classified as a Variant of Uncertain Significance.

NM_024747.6(HPS6):c.747G>C (p.Trp249Cys)

Gene: HPS6 (HPS6 biogenesis of lysosomal organelles complex 2 subunit 3; plus strand). Cytogenetic location: 10q24.32.
Variant type: single nucleotide variant.
Coding change: c.747G>C on transcript NM_024747.6 (MANE Select); coding-DNA position 747, G replaced by C.
Protein change: p.Trp249Cys; replaces tryptophan 249 with cysteine.
Molecular consequence: missense variant.
Genome position (GRCh38, 1-based): chr10:102,066,221, G>C. VCF-style: chr10-102066221-G-C. GRCh37 (hg19) VCF-style: chr10-103825978-G-C.
Other names: short protein forms W249C.
Identifiers: ClinVar variation 1369717 (VCV001369717.5), dbSNP rs201552426, ClinGen allele CA212200467.